The following is an entry in ClinVar:

NM_001379451.1(BCORL1):c.5294G>T (p.Arg1765Leu)

Gene: BCORL1 (BCL6 corepressor like 1; plus strand). Cytogenetic location: Xq26.1.
Variant type: single nucleotide variant.
Coding change: c.5294G>T on transcript NM_001379451.1 (MANE Select); coding-DNA position 5294, G replaced by T.
Protein change: p.Arg1765Leu; replaces arginine 1765 with leucine.
Molecular consequence: missense variant.
Genome position (GRCh38, 1-based): chrX:130,056,072, G>T. VCF-style: chrX-130056072-G-T. GRCh37 (hg19) VCF-style: chrX-129190047-G-T.
Other names: c.5294G>T, p.Arg1765Leu (NM_001184772.3, NM_001379450.1); c.5072G>T, p.Arg1691Leu (NM_021946.5); short protein forms R1691L, R1765L.
Identifiers: ClinVar variation 2662295 (VCV002662295.1), dbSNP rs143911631, ClinGen allele CA335105040.

ClinVar aggregate classification (germline): Uncertain significance (1 of 4 stars; one submission).

Submission:

GeneDx
Classification: Uncertain significance. Last evaluated: 2023-05-14. Review status: criteria provided, single submitter. Criteria: GeneDx Variant Classification Process June 2021. Collection method: clinical testing. Allele origin: germline. Affected: yes.
Comment: Not observed at significant frequency in large population cohorts (gnomAD); In silico analysis supports that this missense variant has a deleterious effect on protein structure/function; Has not been previously published as pathogenic or benign to our knowledge